The following is an entry in ClinVar:

ClinVar aggregate classification (germline): Uncertain significance (1 of 4 stars; one submission).

Submission:

Labcorp Genetics (formerly Invitae), Labcorp
Classification: Uncertain significance. Last evaluated: 2022-05-18. Review status: criteria provided, single submitter. Criteria: Invitae Variant Classification Sherloc (09022015). Collection method: clinical testing. Allele origin: germline.
Comment: This sequence change replaces valine, which is neutral and non-polar, with leucine, which is neutral and non-polar, at codon 73 of the ACER3 protein (p.Val73Leu). In summary, the available evidence is currently insufficient to determine the role of this variant in disease. Therefore, it has been classified as a Variant of Uncertain Significance. Algorithms developed to predict the effect of missense changes on protein structure and function (SIFT, PolyPhen-2, Align-GVGD) all suggest that this variant is likely to be disruptive. This variant has not been reported in the literature in individuals affected with ACER3-related conditions. This variant is not present in population databases (gnomAD no frequency).

NM_018367.7(ACER3):c.217G>T (p.Val73Leu)

Gene: ACER3 (alkaline ceramidase 3; plus strand). Cytogenetic location: 11q13.5.
Variant type: single nucleotide variant.
Coding change: c.217G>T on transcript NM_018367.7 (MANE Select); coding-DNA position 217, G replaced by T.
Protein change: p.Val73Leu; replaces valine 73 with leucine.
Molecular consequence: missense variant. On other transcripts: intron variant (2).
Genome position (GRCh38, 1-based): chr11:76,958,981, G>T. VCF-style: chr11-76958981-G-T. GRCh37 (hg19) VCF-style: chr11-76670025-G-T.
Other names: c.106G>T, p.Val36Leu (NM_001300953.2); c.-142-96G>T (NM_001300954.2); c.-18-17308G>T (NM_001300955.2); short protein forms V73L, V36L.
Identifiers: ClinVar variation 1994550 (VCV001994550.4), dbSNP rs1390747552, ClinGen allele CA381924605.
Genomic context (GRCh38, chr11:76,958,981, plus strand): 5'-GTCACTGTCCACGCACAAAGAATTTCATGCTAATTTTTTTTCATTTGTTTAATTTCAGTG[G>T]TAGGAATGGGATCCTGGTGCTTCCACATGACTCTGAAATATGAAATGCAGGTTAGTAATG-3'
Protein context (NP_060837.3, residues 63-83): YIASYLALTV[Val73Leu]GMGSWCFHMT